The following is an entry in ClinVar:

NM_001844.5(COL2A1):c.2819G>A (p.Arg940Gln)

Gene: COL2A1 (collagen type II alpha 1 chain; minus strand). Cytogenetic location: 12q13.11.
Variant type: single nucleotide variant.
Coding change: c.2819G>A on transcript NM_001844.5 (MANE Select); coding-DNA position 2819, G replaced by A.
Protein change: p.Arg940Gln; replaces arginine 940 with glutamine.
Molecular consequence: missense variant.
Genome position (GRCh38, 1-based): chr12:47,978,673, C>T on the plus strand (G>A on the coding strand, the complement: COL2A1 is on the minus strand). VCF-style: chr12-47978673-C-T. GRCh37 (hg19) VCF-style: chr12-48372456-C-T.
Other names: c.2612G>A, p.Arg871Gln (NM_033150.3); short protein forms R940Q, R871Q.
Identifiers: ClinVar variation 308916 (VCV000308916.16), dbSNP rs533540496, ClinGen allele CA6534977.

ClinVar aggregate classification (germline): Conflicting classifications of pathogenicity. Review status: criteria provided, conflicting classifications (1 of 4 stars). 6 submissions from 5 submitters: Uncertain significance (2); Benign (1); Likely benign (3). Last evaluated 2026-09-01.

Conditions:
Stickler syndrome type 1 (STL1). Also called: ARTHROOPHTHALMOPATHY, HEREDITARY PROGRESSIVE; STICKLER SYNDROME, MEMBRANOUS VITREOUS TYPE; STICKLER SYNDROME, VITREOUS TYPE 1; COL2A1-Related Stickler Syndrome. Identifiers: Orphanet 828, Orphanet 90653, MedGen C2020284, MONDO:0007160, OMIM 108300.
Type 2 collagenopathy. Identifiers: Orphanet 93421, MedGen C2931073, MONDO:0022800.
Stickler syndrome, type I, nonsyndromic ocular. Also called: STICKLER SYNDROME, TYPE I, PREDOMINANTLY OCULAR; STICKLER SYNDROME, ATYPICAL. Identifiers: MedGen C1836080, MONDO:0012287, OMIM 609508.

Allele frequency attached by ClinVar (database versions not stated): ExAC 0.00011; gnomAD exomes 0.00025; gnomAD 0.00038; TOPMed 0.00042; 1000 Genomes Project 30x 0.00047; 1000 Genomes Project 0.00060.
gnomAD v4.1: 167 of 1,613,326 alleles (0.01%); highest among the groups gnomAD compares: Admixed American, 0.2%; 1 homozygote.

Submissions (6):

CeGaT Center for Human Genetics Tuebingen
Classification: Likely benign. Last evaluated: 2026-09-01. Review status: criteria provided, single submitter. Criteria: CeGaT Center For Human Genetics Tuebingen Variant Classification Criteria Version 2. Collection method: clinical testing. Allele origin: germline. Affected: yes. Observed: 1 variant allele.
Comment: COL2A1: BS2

Labcorp Genetics (formerly Invitae), Labcorp
Classification: Likely benign. Last evaluated: 2025-10-31. Review status: criteria provided, single submitter. Criteria: Invitae Variant Classification Sherloc (09022015). Collection method: clinical testing. Allele origin: germline.

Miami Human Genetics, University Of Miami Miller School Of Medicine
Classification: Uncertain significance for Stickler syndrome, type I, nonsyndromic ocular. Last evaluated: 2024-05-09. Review status: criteria provided, single submitter. Criteria: ACMG Guidelines, 2015. Collection method: research. Allele origin: maternal. Inheritance: Autosomal dominant inheritance. Affected: yes. Observed: 1 heterozygote.

Blueprint Genetics
Classification: Likely benign. Last evaluated: 2024-05-03. Review status: criteria provided, single submitter. Criteria: ACMG Guidelines, 2015. Collection method: clinical testing. Allele origin: germline.

Illumina Laboratory Services, Illumina
Classification: Benign for Type II Collagenopathies. Last evaluated: 2018-01-13. Review status: criteria provided, single submitter. Criteria: ICSL Variant Classification Criteria 13 December 2019. Collection method: clinical testing. Allele origin: germline.
Comment: This variant was observed in the ICSL laboratory as part of a predisposition screen in an ostensibly healthy population. It had not been previously curated by ICSL or reported in the Human Gene Mutation Database (HGMD: prior to June 1st, 2018), and was therefore a candidate for classification through an automated scoring system. Utilizing variant allele frequency, disease prevalence and penetrance estimates, and inheritance mode, an automated score was calculated to assess if this variant is too frequent to cause the disease. Based on the score and internal cut-off values, a variant classified as benign is not then subjected to further curation. The score for this variant resulted in a classification of benign for this disease.

Illumina Laboratory Services, Illumina
Classification: Uncertain significance for Stickler syndrome type 1. Last evaluated: 2018-01-13. Review status: criteria provided, single submitter. Criteria: ICSL Variant Classification Criteria 13 December 2019. Collection method: clinical testing. Allele origin: germline.

Literature cited by the submitters: PubMed 26443184 (cited by Miami Human Genetics, University Of Miami Miller School Of Medicine).